The following is an entry in ClinVar:

NM_020921.4(NIN):c.2105AAC[1] (p.Gln703del)

Gene: NIN (ninein; minus strand). Cytogenetic location: 14q22.1.
Variant type: Microsatellite.
Coding change: c.2105AAC[1] on transcript NM_020921.4 (MANE Select); one copy of the 3-base unit AAC starting at c.2105; the reference has two copies in a row; one copy, 3 bases deleted.
Protein change: p.Gln703del; deletes glutamine 703.
Genome position (GRCh38, 1-based): chr14:50,760,146-50,760,148, GTT deleted on the plus strand (AAC on the coding strand, the reverse complement: NIN is on the minus strand); deleting any 3 consecutive bases within chr14:50,760,146-50,760,151 gives the same sequence; the position shown is the placement nearest the transcript's 3' end. VCF-style (leftmost placement, unchanged base first): chr14-50760145-AGTT-A. GRCh37 (hg19) VCF-style: chr14-51226863-AGTT-A.
Other names: c.2105AAC[1], p.Gln703del (NM_182944.3, NM_182946.2, NM_016350.5); short protein forms Q703del.
Identifiers: ClinVar variation 3663298 (VCV003663298.2).
Genomic context (GRCh38, chr14:50,760,145, plus strand): 5'-TCATGTTGCAGCCTCAGCTTCTCCTGCAGGTGAGTCTTTTCCTCCTCAAGCTTCACTTGC[AGTT>A]GTTTTTTCTCCTCCTCATGCCTGCAAGTGGCCTCATGATGTGCCTCCTTGAGCACTGCTG-3'

ClinVar aggregate classification (germline): Uncertain significance (1 of 4 stars; one submission).

Submission:

Labcorp Genetics (formerly Invitae), Labcorp
Classification: Uncertain significance. Last evaluated: 2024-08-22. Review status: criteria provided, single submitter. Criteria: Invitae Variant Classification Sherloc (09022015). Collection method: clinical testing. Allele origin: germline.
Comment: This variant, c.2108_2110del, results in the deletion of 1 amino acid(s) of the NIN protein (p.Gln703del), but otherwise preserves the integrity of the reading frame. This variant is not present in population databases (gnomAD no frequency). This variant has not been reported in the literature in individuals affected with NIN-related conditions. Experimental studies and prediction algorithms are not available or were not evaluated, and the functional significance of this variant is currently unknown. In summary, the available evidence is currently insufficient to determine the role of this variant in disease. Therefore, it has been classified as a Variant of Uncertain Significance.